The following is an entry in ClinVar:

NM_001006658.3(CR2):c.1180A>C (p.Asn394His)

Genes: CR2 (complement C3d receptor 2; plus strand), LOC126805994 (BRD4-independent group 4 enhancer GRCh37_chr1:207642622-207643821; plus strand). Cytogenetic location: 1q32.2.
Variant type: single nucleotide variant.
Coding change: c.1180A>C on transcript NM_001006658.3 (MANE Select); coding-DNA position 1180, A replaced by C.
Protein change: p.Asn394His; replaces asparagine 394 with histidine.
Molecular consequence: missense variant.
Genome position (GRCh38, 1-based): chr1:207,470,057, A>C. VCF-style: chr1-207470057-A-C. GRCh37 (hg19) VCF-style: chr1-207643402-A-C.
Other names: c.1180A>C, p.Asn394His (NM_001877.5); short protein forms N394H.
Identifiers: ClinVar variation 568328 (VCV000568328.10), dbSNP rs760698306, ClinGen allele CA1368645.

ClinVar aggregate classification (germline): Uncertain significance. Review status: criteria provided, multiple submitters, no conflicts (2 of 4 stars). 3 submissions from 3 submitters: Uncertain significance (3). Last evaluated 2023-04-11.

Conditions:
Immunodeficiency, common variable, 7. Identifiers: Orphanet 1572, Orphanet 696894, MedGen C3542922, MONDO:0013862, OMIM 614699.
Inborn genetic diseases. Identifiers: MedGen C0950123, MeSH D030342.

Allele frequency attached by ClinVar (database versions not stated): gnomAD exomes 0.00001; ExAC 0.00002; TOPMed 0.00004; gnomAD 0.00005 and 0.00006.
gnomAD v4.1: 26 of 1,613,866 alleles (0.0016%); highest among the groups gnomAD compares: Non-Finnish European, 0.0021%; no homozygotes.

Submissions (3):

Genome-Nilou Lab
Classification: Uncertain significance for Immunodeficiency, common variable, 7. Last evaluated: 2023-04-11. Review status: criteria provided, single submitter. Criteria: ACMG Guidelines, 2015. Collection method: clinical testing. Allele origin: germline. Affected: no.

Ambry Genetics
Classification: Uncertain significance for Inborn genetic diseases. Last evaluated: 2023-01-23. Review status: criteria provided, single submitter. Criteria: Ambry Variant Classification Scheme 2023. Collection method: clinical testing. Allele origin: germline.

Labcorp Genetics (formerly Invitae), Labcorp
Classification: Uncertain significance for Immunodeficiency, common variable, 7. Last evaluated: 2022-02-02. Review status: criteria provided, single submitter. Criteria: Invitae Variant Classification Sherloc (09022015). Collection method: clinical testing. Allele origin: germline.
Comment: This sequence change replaces asparagine, which is neutral and polar, with histidine, which is basic and polar, at codon 394 of the CR2 protein (p.Asn394His). This variant is present in population databases (rs760698306, gnomAD 0.004%). This variant has not been reported in the literature in individuals affected with CR2-related conditions. ClinVar contains an entry for this variant (Variation ID: 568328). Algorithms developed to predict the effect of missense changes on protein structure and function are either unavailable or do not agree on the potential impact of this missense change (SIFT: "Tolerated"; PolyPhen-2: "Possibly Damaging"; Align-GVGD: "Class C0"). In summary, the available evidence is currently insufficient to determine the role of this variant in disease. Therefore, it has been classified as a Variant of Uncertain Significance.